The following is an entry in ClinVar:

NM_000090.4(COL3A1):c.2022+4G>A

Gene: COL3A1 (collagen type III alpha 1 chain; plus strand). Cytogenetic location: 2q32.2.
Variant type: single nucleotide variant.
Coding change: c.2022+4G>A on transcript NM_000090.4 (MANE Select); 4 bases into the intron after coding-DNA position 2022, G replaced by A.
Molecular consequence: intron variant.
Genome position (GRCh38, 1-based): chr2:188,998,722, G>A. VCF-style: chr2-188998722-G-A. GRCh37 (hg19) VCF-style: chr2-189863448-G-A.
Identifiers: ClinVar variation 263630 (VCV000263630.9), dbSNP rs886038865, ClinGen allele CA10587535.

ClinVar aggregate classification (germline): Uncertain significance. Review status: criteria provided, multiple submitters, no conflicts (2 of 4 stars). 4 submissions from 4 submitters: Uncertain significance (4). Last evaluated 2025-11-24.

Conditions:
Cardiovascular phenotype. Identifiers: MedGen CN230736.
Familial thoracic aortic aneurysm and aortic dissection (TAAD). Also called: Thoracic aortic aneurysms and dissections. Identifiers: Orphanet 91387, MedGen C4707243, MONDO:0019625.
Ehlers-Danlos syndrome, type 4 (EDSVASC). Also called: Ehlers-Danlos syndrome vascular type; Ehlers Danlos syndrome, ecchymotic type; Ehlers Danlos syndrome, arterial type; Ehlers Danlos syndrome, Sack-Barabas type; Ehlers-Danlos Syndrome Type IV. Identifiers: Orphanet 286, MedGen C0268338, MONDO:0017314, OMIM 130050.

Allele frequency attached by ClinVar (database versions not stated): gnomAD exomes below 0.00001.
gnomAD v4.1: 4 of 1,613,586 alleles (0.00025%); highest among the groups gnomAD compares: Non-Finnish European, 0.00034%; no homozygotes.

Submissions (4):

Color Diagnostics, LLC DBA Color Health
Classification: Uncertain significance for Familial thoracic aortic aneurysm and aortic dissection. Last evaluated: 2025-11-24. Review status: criteria provided, single submitter. Criteria: ACMG Guidelines, 2015. Collection method: clinical testing. Allele origin: germline.
Comment: This variant causes a G to A nucleotide substitution at the +4 position of intron 29 of the COL3A1 gene. To our knowledge, RNA studies have not been reported for this variant. This variant has not been reported in individuals affected with COL3A1-related disorders in the literature. This variant has been identified in 4/1613586 chromosomes in the general population by the Genome Aggregation Database (gnomAD). The available evidence is insufficient to determine the role of this variant in disease conclusively. Therefore, this variant is classified as a Variant of Uncertain Significance.

Women's Health and Genetics/Laboratory Corporation of America, LabCorp
Classification: Uncertain significance. Last evaluated: 2025-10-28. Review status: criteria provided, single submitter. Criteria: LabCorp Variant Classification Summary - May 2015. Collection method: clinical testing. Allele origin: germline.
Comment: Variant summary: COL3A1 c.2022+4G>A alters a nucleotide located close to a canonical splice site and therefore could affect mRNA splicing, leading to a significantly altered protein sequence. Several computational tools predict a significant impact on normal splicing: Four predict the variant strengthens a 5' donor site. However, these predictions have yet to be confirmed by functional studies. The variant was absent in 282356 control chromosomes. The available data on variant occurrences in the general population are insufficient to allow any conclusion about variant significance. To our knowledge, no occurrence of c.2022+4G>A in individuals affected with COL3A1-related conditions and no experimental evidence demonstrating its impact on protein function have been reported. ClinVar contains an entry for this variant (Variation ID: 263630). Based on the evidence outlined above, the variant was classified as uncertain significance.

Labcorp Genetics (formerly Invitae), Labcorp
Classification: Uncertain significance for Ehlers-Danlos syndrome, type 4. Last evaluated: 2022-08-12. Review status: criteria provided, single submitter. Criteria: Invitae Variant Classification Sherloc (09022015). Collection method: clinical testing. Allele origin: germline.
Comment: In summary, the available evidence is currently insufficient to determine the role of this variant in disease. Therefore, it has been classified as a Variant of Uncertain Significance. Variants that disrupt the consensus splice site are a relatively common cause of aberrant splicing (PMID: 17576681, 9536098). Algorithms developed to predict the effect of sequence changes on RNA splicing suggest that this variant may create or strengthen a splice site. ClinVar contains an entry for this variant (Variation ID: 263630). This variant has not been reported in the literature in individuals affected with COL3A1-related conditions. This variant is not present in population databases (gnomAD no frequency). This sequence change falls in intron 29 of the COL3A1 gene. It does not directly change the encoded amino acid sequence of the COL3A1 protein. It affects a nucleotide within the consensus splice site.

Ambry Genetics
Classification: Uncertain significance for Cardiovascular phenotype. Last evaluated: 2013-05-30. Review status: criteria provided, single submitter. Criteria: Ambry Autosomal Dominant and X-Linked criteria (10/2015). Collection method: clinical testing. Allele origin: germline. Observed: 1 variant allele.
Comment: Co-segregation data for this variant is currently unavailable. This variant has not been detected in conjunction with a pathogenic mutation to date. Allele frequency data in population-based cohorts is not currently available. This nucleotide position is not conserved in available vertebrate species, and the A-allele is present in most species.This splice prediction software does not predict a deleterious effect on splicing.This splice prediction software does not predict a deleterious effect on splicing.

Literature cited by the submitters: PubMed 17576681 (cited by Labcorp Genetics (formerly Invitae), Labcorp); PubMed 9536098 (cited by Labcorp Genetics (formerly Invitae), Labcorp).